The following is an entry in ClinVar:

ClinVar aggregate classification (germline): Likely benign. Review status: criteria provided, multiple submitters, no conflicts (2 of 4 stars). 3 submissions from 3 submitters: Likely benign (2). 1 of the submissions does not count toward it. Last evaluated 2025-12-26.

Conditions:
RTEL1-related disorder. Also called: RTEL1-related disorders; RTEL1-related condition.
Dyskeratosis congenita, autosomal recessive 5 (DKCB5). Identifiers: MedGen C3554656, MONDO:0014076, OMIM 615190.
Pulmonary fibrosis and/or bone marrow failure, Telomere-related, 3. Also called: PULMONARY FIBROSIS AND/OR BONE MARROW FAILURE SYNDROME, TELOMERE-RELATED, 3. Identifiers: Orphanet 2032, MedGen C4225346, MONDO:0014613, OMIM 616373.
Inborn genetic diseases. Identifiers: MedGen C0950123, MeSH D030342.

Allele frequency attached by ClinVar (database versions not stated): gnomAD exomes below 0.00001 and 0.00001; ExAC 0.00002; ESP Exome Variant Server 0.00008; gnomAD 0.00012 and 0.00013; 1000 Genomes Project 30x 0.00016; 1000 Genomes Project 0.00020; TOPMed 0.00022.
gnomAD v4.1: 34 of 1,610,950 alleles (0.0021%); highest among the groups gnomAD compares: African/African-American, 0.027%; no homozygotes.

Submissions (3):

Labcorp Genetics (formerly Invitae), Labcorp
Classification: Likely benign for Dyskeratosis congenita, autosomal recessive 5; Pulmonary fibrosis and/or bone marrow failure, Telomere-related, 3. Last evaluated: 2025-12-26. Review status: criteria provided, single submitter. Criteria: Invitae Variant Classification Sherloc (09022015). Collection method: clinical testing. Allele origin: germline.

Ambry Genetics
Classification: Likely benign for Inborn genetic diseases. Last evaluated: 2024-11-21. Review status: criteria provided, single submitter. Criteria: Ambry Variant Classification Scheme 2023. Collection method: clinical testing. Allele origin: germline.

PreventionGenetics, part of Exact Sciences
Classification: Likely benign for RTEL1-related condition. Last evaluated: 2019-05-08. Review status: no assertion criteria provided. Collection method: clinical testing. Allele origin: germline. Not counted in ClinVar's aggregate classification.
Comment: This variant is classified as likely benign based on ACMG/AMP sequence variant interpretation guidelines (Richards et al. 2015 PMID: 25741868, with internal and published modifications).

NM_001283009.2(RTEL1):c.1806C>T (p.Ile602=)

Genes: RTEL1 (regulator of telomere elongation helicase 1; plus strand), RTEL1-TNFRSF6B (RTEL1-TNFRSF6B readthrough (NMD candidate); plus strand). Cytogenetic location: 20q13.33.
Variant type: single nucleotide variant.
Coding change: c.1806C>T on transcript NM_001283009.2 (MANE Select); coding-DNA position 1806, C replaced by T.
Protein change: p.Ile602=; no amino-acid change (isoleucine 602 retained).
Molecular consequence: synonymous variant. On other transcripts: non-coding transcript variant (1).
Genome position (GRCh38, 1-based): chr20:63,689,060, C>T. VCF-style: chr20-63689060-C-T. GRCh37 (hg19) VCF-style: chr20-62320413-C-T.
Other names: c.1137C>T, p.Ile379= (NM_001283010.1); c.1806C>T, p.Ile602= (NM_016434.4); c.1878C>T, p.Ile626= (NM_032957.5); c.1878C>T (NM_032957.4).
Identifiers: ClinVar variation 744165 (VCV000744165.14), dbSNP rs202119059, ClinGen allele CA9965026.
Genomic context (GRCh38, chr20:63,689,060, plus strand): 5'-GGAGGAAGGGGCTGGGGGGGGGCTCCAGGCTCAGCCTCACCAACTTTCCTTCCAGACCAT[C>T]AGTGCTTACTATGCAAGGGTTGCCGCCCCTGGGTCCACCGGCGCCACCTTCCTGGCGGTC-3'
Protein context (NP_001269938.1, residues 592-612): PRSKGSFSET[Ile602=]SAYYARVAAP